The following is an entry in ClinVar:

NM_000234.3(LIG1):c.2312G>A (p.Arg771Gln)

Gene: LIG1 (DNA ligase 1; minus strand). Cytogenetic location: 19q13.33.
Variant type: single nucleotide variant.
Coding change: c.2312G>A on transcript NM_000234.3 (MANE Select); coding-DNA position 2312, G replaced by A.
Protein change: p.Arg771Gln; replaces arginine 771 with glutamine.
Molecular consequence: missense variant. On other transcripts: non-coding transcript variant (6).
Genome position (GRCh38, 1-based): chr19:48,121,243, C>T on the plus strand (G>A on the coding strand, the complement: LIG1 is on the minus strand). VCF-style: chr19-48121243-C-T. GRCh37 (hg19) VCF-style: chr19-48624500-C-T.
Other names: c.2219G>A, p.Arg740Gln (NM_001289063.2); c.2108G>A, p.Arg703Gln (NM_001289064.2); c.2309G>A, p.Arg770Gln (NM_001320970.2); c.2222G>A, p.Arg741Gln (NM_001320971.2); short protein forms R703Q, R740Q, R741Q, R770Q, R771Q.
Identifiers: ClinVar variation 1307376 (VCV001307376.2), dbSNP rs1173320241, ClinGen allele CA406642377.
Genomic context (GRCh38, chr19:48,121,243, plus strand): 5'-TGCAGCTCCTCACTGTCCTCGTCGTAGGAGGCCAGCAGGAAGCCCCCGTACCGGCCGGCC[C>T]GCTTCCCCCGGCCCAGGTAGGCGCCGATCACCACCAGGTCCAGGGTGTCACCCACGCCAT-3'
Protein context (NP_000225.1, residues 761-781): VIGAYLGRGK[Arg771Gln]AGRYGGFLLA

ClinVar aggregate classification (germline): Uncertain significance (1 of 4 stars; one submission).

Allele frequency attached by ClinVar (database versions not stated): gnomAD exomes below 0.00001; TOPMed below 0.00001.
gnomAD v4.1: 13 of 1,613,864 alleles (0.00081%); highest among the groups gnomAD compares: East Asian, 0.0022%; no homozygotes.

Submission:

GeneDx
Classification: Uncertain significance. Last evaluated: 2019-07-24. Review status: criteria provided, single submitter. Criteria: GeneDx Variant Classification Process June 2021. Collection method: clinical testing. Allele origin: germline. Affected: yes.
Comment: Not observed at a significant frequency in large population cohorts (Lek et al., 2016); Has not been previously published as pathogenic or benign to our knowledge; In-silico analysis, which includes splice predictors and evolutionary conservation, is inconclusive as to whether the variant alters gene splicing. In addition, in silico predictors and evolutionary conservation suggest the missense change may have a deleterious effect on the protein. In the absence of RNA/functional studies, the actual effect of this sequence change is unknown.